The following is an entry in ClinVar:

NM_000890.5(KCNJ5):c.82C>G (p.Gln28Glu)

Gene: KCNJ5 (potassium inwardly rectifying channel subfamily J member 5; plus strand). Cytogenetic location: 11q24.3.
Variant type: single nucleotide variant.
Coding change: c.82C>G on transcript NM_000890.5 (MANE Select); coding-DNA position 82, C replaced by G.
Protein change: p.Gln28Glu; replaces glutamine 28 with glutamic acid.
Molecular consequence: missense variant.
Genome position (GRCh38, 1-based): chr11:128,911,355, C>G. VCF-style: chr11-128911355-C-G. GRCh37 (hg19) VCF-style: chr11-128781250-C-G.
Other names: c.82C>G, p.Gln28Glu (NM_001354169.2); short protein forms Q28E.
Identifiers: ClinVar variation 3599189 (VCV003599189.2).

ClinVar aggregate classification (germline): Uncertain significance. Review status: criteria provided, multiple submitters, no conflicts (2 of 4 stars). 2 submissions from 2 submitters: Uncertain significance (2). Last evaluated 2025-07-15.

Conditions:
Familial hyperaldosteronism type III. Also called: Familial hyperaldosteronism type 3; FH III. Identifiers: Orphanet 251274, MedGen C3838758, MONDO:0013359, OMIM 613677.
Long QT syndrome 13 (LQT13). Identifiers: Orphanet 101016, Orphanet 768, MedGen C3150733, MONDO:0013279, OMIM 613485.
Cardiovascular phenotype. Identifiers: MedGen CN230736.

gnomAD v4.1: 6 of 1,614,106 alleles (0.00037%); highest among the groups gnomAD compares: Non-Finnish European, 0.00042%; no homozygotes.

Submissions (2):

Ambry Genetics
Classification: Uncertain significance for Cardiovascular phenotype. Last evaluated: 2025-07-15. Review status: criteria provided, single submitter. Criteria: Ambry Variant Classification Scheme 2023. Collection method: clinical testing. Allele origin: germline.
Comment: The p.Q28E variant (also known as c.82C>G), located in coding exon 1 of the KCNJ5 gene, results from a C to G substitution at nucleotide position 82. The glutamine at codon 28 is replaced by glutamic acid, an amino acid with highly similar properties. This amino acid position is highly conserved in available vertebrate species. In addition, this alteration is predicted to be tolerated by in silico analysis. Based on the available evidence, the clinical significance of this variant remains unclear.

Fulgent Genetics
Classification: Uncertain significance for Long QT syndrome 13; Familial hyperaldosteronism type III. Last evaluated: 2024-04-12. Review status: criteria provided, single submitter. Criteria: ACMG Guidelines, 2015. Collection method: clinical testing. Allele origin: germline.